The following is an entry in ClinVar:

ClinVar aggregate classification (germline): Uncertain significance. Review status: criteria provided, multiple submitters, no conflicts (2 of 4 stars). 3 submissions from 3 submitters: Uncertain significance (3). Last evaluated 2026-07-01.

Conditions:
Long QT syndrome (LQTS). Identifiers: MedGen C0023976, MeSH D008133, MONDO:0002442. Disease mechanism: loss of function. Inheritance: Various modes of inheritance.

Allele frequency attached by ClinVar (database versions not stated): gnomAD exomes below 0.00001; ExAC 0.00001; 1000 Genomes Project 30x 0.00016.
gnomAD v4.1: 5 of 1,613,794 alleles (0.00031%); highest among the groups gnomAD compares: East Asian, 0.0022%; no homozygotes.

Submissions (3):

CeGaT Center for Human Genetics Tuebingen
Classification: Uncertain significance. Last evaluated: 2026-07-01. Review status: criteria provided, single submitter. Criteria: CeGaT Center For Human Genetics Tuebingen Variant Classification Criteria Version 2. Collection method: clinical testing. Allele origin: germline. Affected: yes. Observed: 1 variant allele.
Comment: CACNA1C: PP2, PP3

Labcorp Genetics (formerly Invitae), Labcorp
Classification: Uncertain significance for Long QT syndrome. Last evaluated: 2023-11-13. Review status: criteria provided, single submitter. Criteria: Invitae Variant Classification Sherloc (09022015). Collection method: clinical testing. Allele origin: germline.
Comment: This sequence change replaces valine, which is neutral and non-polar, with methionine, which is neutral and non-polar, at codon 368 of the CACNA1C protein (p.Val368Met). This variant is present in population databases (rs768152404, gnomAD 0.002%). This variant has not been reported in the literature in individuals affected with CACNA1C-related conditions. ClinVar contains an entry for this variant (Variation ID: 2500393). Advanced modeling of protein sequence and biophysical properties (such as structural, functional, and spatial information, amino acid conservation, physicochemical variation, residue mobility, and thermodynamic stability) has been performed at Invitae for this missense variant, however the output from this modeling did not meet the statistical confidence thresholds required to predict the impact of this variant on CACNA1C protein function. In summary, the available evidence is currently insufficient to determine the role of this variant in disease. Therefore, it has been classified as a Variant of Uncertain Significance.

GeneDx
Classification: Uncertain significance. Last evaluated: 2022-10-30. Review status: criteria provided, single submitter. Criteria: GeneDx Variant Classification Process June 2021. Collection method: clinical testing. Allele origin: germline. Affected: yes.
Comment: Not observed at significant frequency in large population cohorts (gnomAD); In silico analysis supports that this missense variant has a deleterious effect on protein structure/function; Has not been previously published as pathogenic or benign to our knowledge

NM_000719.7(CACNA1C):c.1102G>A (p.Val368Met)

Gene: CACNA1C (calcium voltage-gated channel subunit alpha1 C; plus strand). Cytogenetic location: 12p13.33.
Variant type: single nucleotide variant.
Coding change: c.1102G>A on transcript NM_000719.7 (MANE Select); coding-DNA position 1102, G replaced by A.
Protein change: p.Val368Met; replaces valine 368 with methionine.
Molecular consequence: missense variant.
Genome position (GRCh38, 1-based): chr12:2,493,375, G>A. VCF-style: chr12-2493375-G-A. GRCh37 (hg19) VCF-style: chr12-2602541-G-A.
Other names: c.1102G>A, p.Val368Met (NM_001129840.2, NM_001129841.2, NM_001129842.2 and 18 more transcripts); c.1093G>A, p.Val365Met (NM_001129844.2); short protein forms V365M, V368M.
Identifiers: ClinVar variation 2500393 (VCV002500393.3), dbSNP rs768152404, ClinGen allele CA6388603.